The following is an entry in ClinVar:

ClinVar aggregate classification (germline): Likely pathogenic (1 of 4 stars; one submission).

Conditions:
Developmental and epileptic encephalopathy, 31A. Also called: Developmental and epileptic encephalopathy, 31; Epileptic encephalopathy, early infantile, 31. Identifiers: Orphanet 2382, MedGen C4225357, MONDO:0014598, OMIM 616346.

Submission:

Institute of Human Genetics, University of Leipzig Medical Center
Classification: Likely pathogenic for Developmental and epileptic encephalopathy, 31A. Last evaluated: 2019-01-01. Review status: criteria provided, single submitter. Criteria: ACMG Guidelines, 2015. Collection method: clinical testing. Allele origin: de novo. Affected: yes.
Comment: This variant was identified as de novo.

NM_004408.4(DNM1):c.532A>T (p.Asn178Tyr)

Genes: DNM1 (dynamin 1; plus strand), LOC113839516 (Sharpr-MPRA regulatory region 8497; plus strand). Cytogenetic location: 9q34.11.
Variant type: single nucleotide variant.
Coding change: c.532A>T on transcript NM_004408.4 (MANE Select); coding-DNA position 532, A replaced by T.
Protein change: p.Asn178Tyr; replaces asparagine 178 with tyrosine.
Molecular consequence: missense variant.
Genome position (GRCh38, 1-based): chr9:128,219,195, A>T. VCF-style: chr9-128219195-A-T. GRCh37 (hg19) VCF-style: chr9-130981474-A-T.
Other names: c.532A>T, p.Asn178Tyr (NM_001005336.3, NM_001288737.2, NM_001288738.2 and 2 more transcripts); short protein forms N178Y.
Identifiers: ClinVar variation 982937 (VCV000982937.1), dbSNP rs1834792032, ClinGen allele CA375011441.